The following is an entry in ClinVar:

ClinVar aggregate classification (germline): Uncertain significance. Review status: criteria provided, multiple submitters, no conflicts (2 of 4 stars). 2 submissions from 2 submitters: Uncertain significance (2). Last evaluated 2025-12-24.

Allele frequency attached by ClinVar (database versions not stated): TOPMed 0.00004; ExAC 0.00007; ESP Exome Variant Server 0.00008.

Submissions (2):

Labcorp Genetics (formerly Invitae), Labcorp
Classification: Uncertain significance. Last evaluated: 2025-12-24. Review status: criteria provided, single submitter. Criteria: Invitae Variant Classification Sherloc (09022015). Collection method: clinical testing. Allele origin: germline.
Comment: This sequence change replaces proline, which is neutral and non-polar, with alanine, which is neutral and non-polar, at codon 467 of the AGAP1 protein (p.Pro467Ala). This variant is present in population databases (rs368285811, gnomAD 0.04%). This variant has not been reported in the literature in individuals affected with AGAP1-related conditions. ClinVar contains an entry for this variant (Variation ID: 2171999). An algorithm developed to predict the effect of missense changes on protein structure and function (PolyPhen-2) suggests that this variant is likely to be disruptive. In summary, the available evidence is currently insufficient to determine the role of this variant in disease. Therefore, it has been classified as a Variant of Uncertain Significance.

Ambry Genetics
Classification: Uncertain significance. Last evaluated: 2025-06-16. Review status: criteria provided, single submitter. Criteria: Ambry Variant Classification Scheme 2023. Collection method: clinical testing. Allele origin: germline.

NM_001037131.3(AGAP1):c.1558C>G (p.Pro520Ala)

Gene: AGAP1 (ArfGAP with GTPase domain, ankyrin repeat and PH domain 1; plus strand). Cytogenetic location: 2q37.2.
Variant type: single nucleotide variant.
Coding change: c.1558C>G on transcript NM_001037131.3 (MANE Select); coding-DNA position 1558, C replaced by G.
Protein change: p.Pro520Ala; replaces proline 520 with alanine.
Molecular consequence: missense variant.
Genome position (GRCh38, 1-based): chr2:235,968,536, C>G. VCF-style: chr2-235968536-C-G. GRCh37 (hg19) VCF-style: chr2-236877180-C-G.
Other names: c.1399C>G, p.Pro467Ala (NM_014914.5); c.1558C>G (NM_001037131.2); short protein forms P467A, P520A.
Identifiers: ClinVar variation 2171999 (VCV002171999.5), dbSNP rs368285811, ClinGen allele CA2184910.